The following is an entry in ClinVar:

ClinVar aggregate classification (germline): Pathogenic/Likely pathogenic. Review status: criteria provided, multiple submitters, no conflicts (2 of 4 stars). 4 submissions from 4 submitters: Pathogenic (1); Likely pathogenic (3). Last evaluated 2026-01-15.

Conditions:
Hereditary cancer-predisposing syndrome. Also called: Tumor predisposition; Hereditary Cancer Syndrome; Hereditary neoplastic syndrome; Neoplastic Syndromes, Hereditary. Identifiers: Orphanet 140162, MedGen C0027672, MeSH D009386, MONDO:0015356.
Familial adenomatous polyposis 2. Also called: COLORECTAL ADENOMATOUS POLYPOSIS, AUTOSOMAL RECESSIVE; MUTYH Polyposis; MUTYH-associated polyposis; MUTYH-related attenuated familial adenomatous polyposis; Adenomas, multiple colorectal; ADENOMAS, MULTIPLE COLORECTAL, AUTOSOMAL RECESSIVE. Identifiers: Orphanet 220460, Orphanet 247798, MedGen C3272841, MONDO:0012041, OMIM 608456.

Submissions (4):

Ambry Genetics
Classification: Likely pathogenic for Hereditary cancer-predisposing syndrome. Last evaluated: 2026-01-15. Review status: criteria provided, single submitter. Criteria: Ambry Variant Classification Scheme 2023. Collection method: clinical testing. Allele origin: germline.
Comment: The c.1447dupA variant, located in coding exon 14 of the MUTYH gene, results from a duplication of A at nucleotide position 1447, causing a translational frameshift with a predicted alternate stop codon (p.T483Nfs*49). This alteration occurs at the 3' terminus of the gene, is not expected to trigger nonsense-mediated mRNA decay, and impacts the last 12% of the protein. However, premature stop codons are typically deleterious in nature, the impacted region is critical for protein function, and a significant portion of the protein is affected (Ambry internal data). This variant is considered to be rare based on population cohorts in the Genome Aggregation Database (gnomAD). Based on the majority of available evidence to date, this variant is likely to be pathogenic.

Myriad Genetics, Inc.
Classification: Likely pathogenic for Familial adenomatous polyposis 2. Last evaluated: 2025-01-31. Review status: criteria provided, single submitter. Criteria: Myriad Autosomal Dominant, Autosomal Recessive and X-Linked Classification Criteria (2023). Collection method: clinical testing. Allele origin: unknown.
Comment: This variant is considered likely pathogenic. This variant creates a frameshift predicted to result in premature protein truncation.

Labcorp Genetics (formerly Invitae), Labcorp
Classification: Likely pathogenic for Familial adenomatous polyposis 2. Last evaluated: 2021-06-30. Review status: criteria provided, single submitter. Criteria: Invitae Variant Classification Sherloc (09022015). Collection method: clinical testing. Allele origin: germline.
Comment: This sequence change creates a premature translational stop signal (p.Thr483Asnfs*49) in the MUTYH gene. While this is not anticipated to result in nonsense mediated decay, it is expected to disrupt the last 67 amino acid(s) of the MUTYH protein. This variant is not present in population databases (ExAC no frequency). This variant has not been reported in the literature in individuals affected with MUTYH-related conditions. ClinVar contains an entry for this variant (Variation ID: 418345). This variant disrupts the conserved PCNA binding motif of MUTYH (Gln526-Phe533, also known as Gln512-Phe519 in the literature because of transcript nomenclature differences), which has been shown to be critical for MUTYH-PCNA binding (PMID: 11092888, 26377631). Experimental studies have shown that MUTYH and PCNA co-localize at sites of DNA replication, and that MUTYH-PCNA complexes possess adenine glycosylase activity (PMID: 11433026). In MUTYH-deficient murine cells, a mutated MUTYH protein in which the conserved PCNA binding motif was disrupted did not increase repair efficiency as compared to wild-type MUTYH (PMID: 11864576). In summary, the currently available evidence indicates that the variant is pathogenic, but additional data are needed to prove that conclusively. Therefore, this variant has been classified as Likely Pathogenic.

GeneDx
Classification: Pathogenic. Last evaluated: 2014-10-17. Review status: criteria provided, single submitter. Criteria: GeneDx Variant Classification (06012015). Collection method: clinical testing. Allele origin: germline. Affected: yes.
Comment: This duplication of one nucleotide in MUTYH is denoted c.1447dupA at the cDNA level and p.Thr483AsnfsX49 (T483NfsX49) at the protein level. The normal sequence, with the bases that are duplicated in brackets, is TCAC[A]CCGC. The duplication causes a frameshift, which changes a Threonine to an Asparagine at codon 483, and creates a premature stop codon at position 49 of the new reading frame. Although this variant has not, to our knowledge, been reported in the literature, it is predicted to cause loss of normal protein function through protein truncation. we consider this variant to be pathogenic. The possibility that this patient harbors a second disease-causing MUTYH mutation that is undetectable by this test cannot be excluded. While a single variant in the MUTYH gene has been reported in association with a slightly increased risk for colon cancer, endometrial cancer, and breast cancer, particularly among those with a family history of colorectal cancer (Jenkins 2006, Win 2011, Rennert 2012), there are conflicting data regarding these associations (Santonocito 2011, Out 2012). MUTYH-associated polyposis (MAP) is an autosomal recessive condition caused by two mutations (one affecting each allele) in the MUTYH gene which results in an increased risk for the development of colon cancer and colon polyps. If a MUTYH mutation carrier'spartner is also heterozygous for a MUTYH mutation, the risk to have a child with MAP is 25% with each pregnancy. One study from the UK estimated the overall carrier frequency for any MUTYH mutation to be about 2% (Aretz 2010).

Literature cited by the submitters: PubMed 11092888 (cited by Labcorp Genetics (formerly Invitae), Labcorp); PubMed 26377631 (cited by Labcorp Genetics (formerly Invitae), Labcorp); PubMed 11433026 (cited by Labcorp Genetics (formerly Invitae), Labcorp); PubMed 11864576 (cited by Labcorp Genetics (formerly Invitae), Labcorp).

NM_001048174.2(MUTYH):c.1363dup (p.Thr455fs)

Gene: MUTYH (mutY DNA glycosylase; minus strand). Cytogenetic location: 1p34.1.
Variant type: Duplication.
Coding change: c.1363dup on transcript NM_001048174.2 (MANE Select); coding-DNA position 1363, one base duplicated (A; older notation c.1363dupA).
Protein change: p.Thr455fs; shifts the reading frame from threonine 455.
Molecular consequence: frameshift variant. On other transcripts: non-coding transcript variant (2).
Genome position (GRCh38, 1-based): chr1:45,331,211, T duplicated on the plus strand (A on the coding strand, the reverse complement: MUTYH is on the minus strand). VCF-style (leftmost placement, unchanged base first): chr1-45331210-G-GT. GRCh37 (hg19) VCF-style: chr1-45796882-G-GT.
Other names: c.1447dupA (NM_001128425.1); c.1363dup, p.Thr455fs (NM_001048171.2, NM_001048173.2, NM_001293195.2); c.1366dup, p.Thr456fs (NM_001048172.2); c.1447dup, p.Thr483fs (NM_001128425.2); c.1408dup, p.Thr470fs (NM_001293190.2); c.1396dup, p.Thr466fs (NM_001293191.2); c.1087dup, p.Thr363fs (NM_001293192.2, NM_001293196.2); c.1018dup, p.Thr340fs (NM_001350650.2, NM_001350651.2); and 1 more; short protein forms T340fs, T456fs, T483fs, T363fs, T455fs, T466fs, T470fs, T480fs.
Identifiers: ClinVar variation 418345 (VCV000418345.9), dbSNP rs1553124893, ClinGen allele CA16617154.